The following is an entry in ClinVar:

ClinVar aggregate classification (germline): Benign/Likely benign. Review status: criteria provided, multiple submitters, no conflicts (2 of 4 stars). 10 submissions from 10 submitters: Benign (1); Likely benign (6). 3 of the submissions do not count toward it. Last evaluated 2026-01-02.

Conditions:
Marfan syndrome (MFS). Also called: Marfan syndrome type 1; Marfan's syndrome; Marfan syndrome, classic; MARFAN SYNDROME, TYPE I; FBN1-Related Marfan Syndrome. Identifiers: Orphanet 284963, Orphanet 558, MedGen C0024796, MONDO:0007947, OMIM 154700.
Familial thoracic aortic aneurysm and aortic dissection (TAAD). Also called: Thoracic aortic aneurysms and dissections. Identifiers: Orphanet 91387, MedGen C4707243, MONDO:0019625.
FBN1-related disorder. Also called: FBN1-related disorders.

Allele frequency attached by ClinVar (database versions not stated): TOPMed 0.00011; ESP Exome Variant Server 0.00015; ExAC 0.00005; gnomAD 0.00005 and 0.00006; gnomAD exomes 0.00007 and 0.00009.
gnomAD v4.1: 138 of 1,612,246 alleles (0.0086%); highest among the groups gnomAD compares: Non-Finnish European, 0.011%; no homozygotes.

Submissions (10):

Labcorp Genetics (formerly Invitae), Labcorp
Classification: Likely benign for Marfan syndrome; Familial thoracic aortic aneurysm and aortic dissection. Last evaluated: 2026-01-02. Review status: criteria provided, single submitter. Criteria: Invitae Variant Classification Sherloc (09022015). Collection method: clinical testing. Allele origin: germline.

Mayo Clinic Laboratories, Mayo Clinic
Classification: Likely benign. Last evaluated: 2025-10-25. Review status: criteria provided, single submitter. Criteria: ACMG Guidelines, 2015. Collection method: clinical testing. Allele origin: germline. Observed: 1 variant allele.
Comment: BS1, BP4, BP7

Molecular Diagnostic Laboratory for Inherited Cardiovascular Disease, Montreal Heart Institute
Classification: Likely benign. Last evaluated: 2025-04-09. Review status: criteria provided, single submitter. Criteria: ACMG Guidelines, 2015. Collection method: clinical testing. Allele origin: germline. Affected: no.

CeGaT Center for Human Genetics Tuebingen
Classification: Likely benign. Last evaluated: 2024-08-01. Review status: criteria provided, single submitter. Criteria: CeGaT Center For Human Genetics Tuebingen Variant Classification Criteria Version 2. Collection method: clinical testing. Allele origin: germline. Affected: yes. Observed: 3 variant alleles.
Comment: FBN1: BP4

Women's Health and Genetics/Laboratory Corporation of America, LabCorp
Classification: Benign. Last evaluated: 2024-07-29. Review status: criteria provided, single submitter. Criteria: LabCorp Variant Classification Summary - May 2015. Collection method: clinical testing. Allele origin: germline.
Comment: Variant summary: FBN1 c.7204+7C>G alters a non-conserved nucleotide located close to a canonical splice site and therefore could affect mRNA splicing, leading to a significantly altered protein sequence. Consensus agreement among computation tools predict no significant impact on normal splicing. However, these predictions have yet to be confirmed by functional studies. The variant allele was found at a frequency of 7.2e-05 in 250890 control chromosomes, predominantly at a frequency of 0.00016 within the Non-Finnish European subpopulation in the gnomAD database. The observed variant frequency within Non-Finnish European control individuals in the gnomAD database is approximately 1.4 fold of the estimated maximal expected allele frequency for a pathogenic variant in FBN1 causing Marfan Syndrome phenotype (0.00011). c.7204+7C>G has been reported in the literature as a polymorphism (Katzke 2002). These report(s) do not provide unequivocal conclusions about association of the variant with Marfan Syndrome. To our knowledge, no experimental evidence demonstrating an impact on protein function has been reported. The following publications have been ascertained in the context of this evaluation (PMID: 12203992, 12938084). ClinVar contains an entry for this variant (Variation ID: 444339). Based on the evidence outlined above, the variant was classified as benign.

Blueprint Genetics
Classification: Likely benign. Last evaluated: 2024-02-21. Review status: criteria provided, single submitter. Criteria: ACMG Guidelines, 2015. Collection method: clinical testing. Allele origin: germline.

GeneDx
Classification: Likely benign. Last evaluated: 2018-04-20. Review status: criteria provided, single submitter. Criteria: GeneDx Variant Classification (06012015). Collection method: clinical testing. Allele origin: germline. Affected: yes.
Comment: This variant is considered likely benign or benign based on one or more of the following criteria: it is a conservative change, it occurs at a poorly conserved position in the protein, it is predicted to be benign by multiple in silico algorithms, and/or has population frequency not consistent with disease.

PreventionGenetics, part of Exact Sciences
Classification: Likely benign for FBN1-related condition. Last evaluated: 2019-09-18. Review status: no assertion criteria provided. Collection method: clinical testing. Allele origin: germline. Not counted in ClinVar's aggregate classification.
Comment: This variant is classified as likely benign based on ACMG/AMP sequence variant interpretation guidelines (Richards et al. 2015 PMID: 25741868, with internal and published modifications).

Clinical Genetics DNA and cytogenetics Diagnostics Lab, Erasmus MC, Erasmus Medical Center
Classification: Likely benign. Review status: no assertion criteria provided. Collection method: clinical testing. Allele origin: germline. Affected: yes. Study: VKGL Data-share Consensus. Not counted in ClinVar's aggregate classification.

Joint Genome Diagnostic Labs from Nijmegen and Maastricht, Radboudumc and MUMC+
Classification: Likely benign. Review status: no assertion criteria provided. Collection method: clinical testing. Allele origin: germline. Affected: yes. Study: VKGL Data-share Consensus. Not counted in ClinVar's aggregate classification.

Literature cited by the submitters: PubMed 12203992 (cited by Women's Health and Genetics/Laboratory Corporation of America, LabCorp); PubMed 12938084 (cited by Women's Health and Genetics/Laboratory Corporation of America, LabCorp).

NM_000138.5(FBN1):c.7204+7C>G

Gene: FBN1 (fibrillin 1; minus strand). Cytogenetic location: 15q21.1.
Variant type: single nucleotide variant.
Coding change: c.7204+7C>G on transcript NM_000138.5 (MANE Select); 7 bases into the intron after coding-DNA position 7204, C replaced by G.
Molecular consequence: intron variant.
Genome position (GRCh38, 1-based): chr15:48,427,560, G>C on the plus strand (C>G on the coding strand, the complement: FBN1 is on the minus strand). VCF-style: chr15-48427560-G-C. GRCh37 (hg19) VCF-style: chr15-48719757-G-C.
Other names: p.?.
Identifiers: ClinVar variation 444339 (VCV000444339.62), dbSNP rs371763964, ClinGen allele CA058054.
Genomic context (GRCh38, chr15:48,427,560, plus strand): 5'-CTGTGTTTCACACAAAAAACAAATAAATAGATTCCCTGCAAGTATTTTTGGACTATAAAT[G>C]AAGTACCTGCTCCATTGGTCATGAATCCTCGGCCATGGGGACAGAGTTTCTTGAAAGCCA-3'